The following is an entry in ClinVar:

ClinVar aggregate classification (germline): Uncertain significance (1 of 4 stars; one submission).

gnomAD v4.1: 63 of 1,605,978 alleles (0.0039%); highest among the groups gnomAD compares: South Asian, 0.041%; no homozygotes.

Submission:

Women's Health and Genetics/Laboratory Corporation of America, LabCorp
Classification: Uncertain significance. Last evaluated: 2024-07-18. Review status: criteria provided, single submitter. Criteria: LabCorp Variant Classification Summary - May 2015. Collection method: clinical testing. Allele origin: germline.
Comment: Variant summary: SP7 c.*3C>T is located in the untranslated mRNA region downstream of the termination codon. The variant allele was found at a frequency of 9.8e-05 in 233834 control chromosomes. This frequency is not significantly higher than estimated for a pathogenic variant in SP7 causing Osteogenesis Imperfecta Type 12, allowing no conclusion about variant significance. To our knowledge, no occurrence of c.*3C>T in individuals affected with Osteogenesis Imperfecta Type 12 and no experimental evidence demonstrating its impact on protein function have been reported. No submitters have cited clinical-significance assessments for this variant to ClinVar. Based on the evidence outlined above, the variant was classified as uncertain significance.

NM_001173467.3(SP7):c.*3C>T

Gene: SP7 (Sp7 transcription factor; minus strand). Cytogenetic location: 12q13.13.
Variant type: single nucleotide variant.
Coding change: c.*3C>T on transcript NM_001173467.3 (MANE Select); 3 bases downstream of the stop codon, C replaced by T.
Molecular consequence: 3 prime UTR variant.
Genome position (GRCh38, 1-based): chr12:53,328,143, G>A on the plus strand (C>T on the coding strand, the complement: SP7 is on the minus strand). VCF-style: chr12-53328143-G-A. GRCh37 (hg19) VCF-style: chr12-53721927-G-A.
Other names: c.*3C>T (NM_001300837.2, NM_152860.2).
Identifiers: ClinVar variation 3339464 (VCV003339464.1).